The following is an entry in ClinVar:

ClinVar aggregate classification (germline): Uncertain significance (1 of 4 stars; one submission).

Submission:

Labcorp Genetics (formerly Invitae), Labcorp
Classification: Uncertain significance. Last evaluated: 2024-01-28. Review status: criteria provided, single submitter. Criteria: Invitae Variant Classification Sherloc (09022015). Collection method: clinical testing. Allele origin: germline.
Comment: This sequence change replaces proline, which is neutral and non-polar, with alanine, which is neutral and non-polar, at codon 650 of the SLCO5A1 protein (p.Pro650Ala). This variant is not present in population databases (gnomAD no frequency). This variant has not been reported in the literature in individuals affected with SLCO5A1-related conditions. An algorithm developed to predict the effect of missense changes on protein structure and function (PolyPhen-2) suggests that this variant is likely to be disruptive. In summary, the available evidence is currently insufficient to determine the role of this variant in disease. Therefore, it has been classified as a Variant of Uncertain Significance.

NM_030958.3(SLCO5A1):c.1948C>G (p.Pro650Ala)

Gene: SLCO5A1 (solute carrier organic anion transporter family member 5A1; minus strand). Cytogenetic location: 8q13.3.
Variant type: single nucleotide variant.
Coding change: c.1948C>G on transcript NM_030958.3 (MANE Select); coding-DNA position 1948, C replaced by G.
Protein change: p.Pro650Ala; replaces proline 650 with alanine.
Molecular consequence: missense variant.
Genome position (GRCh38, 1-based): chr8:69,679,454, G>C on the plus strand (C>G on the coding strand, the complement: SLCO5A1 is on the minus strand). VCF-style: chr8-69679454-G-C. GRCh37 (hg19) VCF-style: chr8-70591689-G-C.
Other names: c.1948C>G, p.Pro650Ala (NM_001146008.2); c.1783C>G, p.Pro595Ala (NM_001146009.1); short protein forms P595A, P650A.
Identifiers: ClinVar variation 3637287 (VCV003637287.2).